The following is an entry in ClinVar:

NM_001267550.2(TTN):c.7517G>A (p.Arg2506Gln)

Gene: TTN (titin; minus strand). Cytogenetic location: 2q31.2.
Variant type: single nucleotide variant.
Coding change: c.7517G>A on transcript NM_001267550.2 (MANE Select); coding-DNA position 7517, G replaced by A.
Protein change: p.Arg2506Gln; replaces arginine 2506 with glutamine.
Molecular consequence: missense variant.
Genome position (GRCh38, 1-based): chr2:178,773,539, C>T on the plus strand (G>A on the coding strand, the complement: TTN is on the minus strand). VCF-style: chr2-178773539-C-T. GRCh37 (hg19) VCF-style: chr2-179638266-C-T.
Other names: c.7517G>A, p.Arg2506Gln (NM_001256850.1, NM_133378.4, NM_133379.5); c.7379G>A, p.Arg2460Gln (NM_003319.4, NM_133432.3, NM_133437.4); short protein forms R2506Q, R2460Q.
Identifiers: ClinVar variation 594191 (VCV000594191.9), dbSNP rs758719859, ClinGen allele CA2004798.
Genomic context (GRCh38, chr2:178,773,539, plus strand): 5'-CAGTTGGTTTCAACTCTGCCAACTATCAGCTTGTAAGGTCCTTCGTCTGAAGCATGAGTT[C>T]GGTTAATGACTAGTCGCTGTTTAGTACCTTTCACAATGGCCTGTACACGGTCATCAGGCT-3'
Protein context (NP_001254479.2, residues 2496-2516): KGTKQRLVIN[Arg2506Gln]THASDEGPYK

ClinVar aggregate classification (germline): Uncertain significance. Review status: criteria provided, multiple submitters, no conflicts (2 of 4 stars). 4 submissions from 4 submitters: Uncertain significance (4). Last evaluated 2026-02-10.

Conditions:
TTN-related disorder. Also called: TTN-related condition; TTN-related disease; TTN-related disorders.
Hypertrophic cardiomyopathy 9. Also called: Familial hypertrophic cardiomyopathy 9. Identifiers: MedGen C1861065, MONDO:0013412, OMIM 613765.
Early-onset myopathy with fatal cardiomyopathy (CMYO5). Also called: CONGENITAL MYOPATHY 5 WITH CARDIOMYOPATHY; Salih Myopathy. Identifiers: Orphanet 289377, MedGen C2673677, MONDO:0012714, OMIM 611705. Disease mechanism: loss of function.
Autosomal recessive limb-girdle muscular dystrophy type 2J (LGMDR10). Also called: MUSCULAR DYSTROPHY, LIMB-GIRDLE, AUTOSOMAL RECESSIVE 10; Limb-girdle muscular dystrophy, type 2J. Identifiers: Orphanet 140922, MedGen C1837342, MONDO:0012127, OMIM 608807.
Dilated cardiomyopathy 1G (CMD1G). Identifiers: Orphanet 154, MedGen C1858763, MONDO:0011400, OMIM 604145.
Myopathy, myofibrillar, 9, with early respiratory failure (MFM9). Also called: Myopathy, distal, with early respiratory failure, autosomal dominant; Hereditary myopathy with early respiratory failure; EDSTROM MYOPATHY; MYOPATHY, PROXIMAL, WITH EARLY RESPIRATORY MUSCLE INVOLVEMENT. Identifiers: Orphanet 178464, Orphanet 34521, MedGen C1863599, MONDO:0011362, OMIM 603689.
Tibial muscular dystrophy (TMD). Also called: Tibial muscular dystrophy, tardive; Udd Distal Myopathy – Tibial Muscular Dystrophy; UDD MYOPATHY. Identifiers: Orphanet 609, MedGen C1838244, MONDO:0010870, OMIM 600334.
Cardiovascular phenotype. Identifiers: MedGen CN230736.

Allele frequency attached by ClinVar (database versions not stated): gnomAD 0.00001 and 0.00002; gnomAD exomes 0.00001 and 0.00003; ExAC 0.00002; TOPMed 0.00005.
gnomAD v4.1: 17 of 1,613,864 alleles (0.0011%); highest among the groups gnomAD compares: Admixed American, 0.0083%; no homozygotes.

Submissions (4):

PreventionGenetics, part of Exact Sciences
Classification: Uncertain significance for TTN-related condition. Last evaluated: 2026-02-10. Review status: criteria provided, single submitter. Criteria: ACMG Guidelines, 2015. Collection method: clinical testing. Allele origin: germline.
Comment: The TTN c.7517G>A variant is predicted to result in the amino acid substitution p.Arg2506Gln. To our knowledge, this variant has not been reported in the literature. This variant is reported in 0.012% of alleles in individuals of African descent in gnomAD. At this time, the clinical significance of this variant is uncertain due to the absence of conclusive functional and genetic evidence.

Fulgent Genetics
Classification: Uncertain significance for Tibial muscular dystrophy; Myopathy, myofibrillar, 9, with early respiratory failure; Dilated cardiomyopathy 1G; Autosomal recessive limb-girdle muscular dystrophy type 2J; Early-onset myopathy with fatal cardiomyopathy; Hypertrophic cardiomyopathy 9. Last evaluated: 2021-12-13. Review status: criteria provided, single submitter. Criteria: ACMG Guidelines, 2015. Collection method: clinical testing. Allele origin: unknown.

Ambry Genetics
Classification: Uncertain significance for Cardiovascular phenotype. Last evaluated: 2019-10-11. Review status: criteria provided, single submitter. Criteria: Ambry Variant Classification Scheme 2023. Collection method: clinical testing. Allele origin: germline.
Comment: The p.R2460Q variant (also known as c.7379G>A), located in coding exon 30 of the TTN gene, results from a G to A substitution at nucleotide position 7379. The arginine at codon 2460 is replaced by glutamine, an amino acid with highly similar properties. This amino acid position is highly conserved in available vertebrate species. In addition, this alteration is predicted to be tolerated by in silico analysis. Since supporting evidence is limited at this time, the clinical significance of this alteration remains unclear.

Eurofins Ntd Llc (ga)
Classification: Uncertain significance. Last evaluated: 2017-09-21. Review status: criteria provided, single submitter. Criteria: EGL Classification Definitions 2015. Collection method: clinical testing. Allele origin: germline. Observed: 1 variant allele, 1 heterozygote.